The following is an entry in ClinVar:

ClinVar aggregate classification (germline): Benign/Likely benign. Review status: criteria provided, multiple submitters, no conflicts (2 of 4 stars). 6 submissions from 6 submitters: Benign (5); Likely benign (1). Last evaluated 2026-02-01.

Conditions:
Muscular dystrophy-dystroglycanopathy (congenital with impaired intellectual development), type B, 14. Also called: MUSCULAR DYSTROPHY, CONGENITAL, GMPPB-RELATED; Muscular dystrophy-dystroglycanopathy (congenital with intellectual disability), type B14; Congenital muscular dystrophy-dystroglycanopathy with mental retardation, type B14. Identifiers: MedGen C3809221, MONDO:0014141, OMIM 615351.
Autosomal recessive limb-girdle muscular dystrophy type 2T. Also called: MUSCULAR DYSTROPHY-DYSTROGLYCANOPATHY, LIMB-GIRDLE, GMPPB-RELATED; MUSCULAR DYSTROPHY, LIMB-GIRDLE, TYPE 2T; Muscular dystrophy-dystroglycanopathy (limb-girdle), type c, 14; Limb-girdle muscular dystrophy-dystroglycanopathy, type C14. Identifiers: Orphanet 363623, MedGen C4518000, MONDO:0014142, OMIM 615352.
Muscular dystrophy-dystroglycanopathy (congenital with brain and eye anomalies), type A14. Also called: WALKER-WARBURG SYNDROME OR MUSCLE-EYE-BRAIN DISEASE, GMPPB-RELATED; Muscular dystrophy-dystroglycanopathy (congenital with brain and eye anomalies), type a, 14; Congenital Muscular Dystrophy-Dystroglycanopathy with Brain and Eye Anomalies Type A 14; Congenital muscular dystrophy-dystroglycanopathy with brain and eye anomalies, type A14. Identifiers: Orphanet 588, MedGen C3809216, MONDO:0014140, OMIM 615350.

Allele frequency attached by ClinVar (database versions not stated): 1000 Genomes Project 0.00459; 1000 Genomes Project 30x 0.00562; TOPMed 0.01186; gnomAD 0.01192 and 0.01197; gnomAD exomes 0.01312 and 0.01878; ExAC 0.01436; ESP Exome Variant Server 0.01476.
gnomAD v4.1: 29,022 of 1,613,370 alleles (1.8%); highest among the groups gnomAD compares: Non-Finnish European, 2.2%; 334 homozygotes.

Submissions (6):

Labcorp Genetics (formerly Invitae), Labcorp
Classification: Benign for Autosomal recessive limb-girdle muscular dystrophy type 2T; Muscular dystrophy-dystroglycanopathy (congenital with brain and eye anomalies), type A14; Muscular dystrophy-dystroglycanopathy (congenital with impaired intellectual development), type B, 14. Last evaluated: 2026-02-01. Review status: criteria provided, single submitter. Criteria: Invitae Variant Classification Sherloc (09022015). Collection method: clinical testing. Allele origin: germline.

Blueprint Genetics
Classification: Likely benign. Last evaluated: 2024-11-26. Review status: criteria provided, single submitter. Criteria: ACMG Guidelines, 2015. Collection method: clinical testing. Allele origin: germline.

Mayo Clinic Laboratories, Mayo Clinic
Classification: Benign. Last evaluated: 2018-06-21. Review status: criteria provided, single submitter. Criteria: ACMG Guidelines, 2015. Collection method: clinical testing. Allele origin: germline. Observed: 32 variant alleles.

GeneDx
Classification: Benign. Last evaluated: 2016-02-02. Review status: criteria provided, single submitter. Criteria: GeneDx Variant Classification (06012015). Collection method: clinical testing. Allele origin: germline. Affected: yes.
Comment: This variant is considered likely benign or benign based on one or more of the following criteria: it is a conservative change, it occurs at a poorly conserved position in the protein, it is predicted to be benign by multiple in silico algorithms, and/or has population frequency not consistent with disease.

Breakthrough Genomics
Classification: Benign. Review status: criteria provided, single submitter. Criteria: ACMG Guidelines, 2015. Collection method: not provided. Allele origin: germline. Inheritance: Autosomal recessive inheritance. Affected: yes.

PreventionGenetics, part of Exact Sciences
Classification: Benign. Review status: criteria provided, single submitter. Criteria: ACMG Guidelines, 2015. Collection method: clinical testing. Allele origin: germline.

NM_021971.4(GMPPB):c.330C>T (p.Asp110=)

Gene: GMPPB (GDP-mannose pyrophosphorylase B; minus strand). Cytogenetic location: 3p21.31.
Variant type: single nucleotide variant.
Coding change: c.330C>T on transcript NM_021971.4 (MANE Select); coding-DNA position 330, C replaced by T.
Protein change: p.Asp110=; no amino-acid change (aspartic acid 110 retained).
Molecular consequence: synonymous variant.
Genome position (GRCh38, 1-based): chr3:49,723,044, G>A on the plus strand (C>T on the coding strand, the complement: GMPPB is on the minus strand). VCF-style: chr3-49723044-G-A. GRCh37 (hg19) VCF-style: chr3-49760477-G-A.
Other names: p.Asp110=; c.330C>T, p.Asp110= (NM_013334.4).
Identifiers: ClinVar variation 260284 (VCV000260284.13), dbSNP rs11547261, ClinGen allele CA2405600.